The following is an entry in ClinVar:

NM_001853.4(COL9A3):c.218C>T (p.Pro73Leu)

Gene: COL9A3 (collagen type IX alpha 3 chain; plus strand). Cytogenetic location: 20q13.33.
Variant type: single nucleotide variant.
Coding change: c.218C>T on transcript NM_001853.4 (MANE Select); coding-DNA position 218, C replaced by T.
Protein change: p.Pro73Leu; replaces proline 73 with leucine.
Molecular consequence: missense variant.
Genome position (GRCh38, 1-based): chr20:62,819,256, C>T. VCF-style: chr20-62819256-C-T. GRCh37 (hg19) VCF-style: chr20-61450608-C-T.
Other names: short protein forms P73L.
Identifiers: ClinVar variation 1314117 (VCV001314117.10), dbSNP rs768298010, ClinGen allele CA9949072.
Genomic context (GRCh38, chr20:62,819,256, plus strand): 5'-CATCTCTGCCCTTTCCTCCTGCACAGGGACCAAAGGGGGCCCCAGGAAAGCCGGGGAAAC[C>T]AGGAGAGGCTGGGCTGCCGGGACTGCCGGGTGTGGATGTGAGTGCGCCTGCCCCTCCCCG-3'
Protein context (NP_001844.3, residues 63-83): PKGAPGKPGK[Pro73Leu]GEAGLPGLPG

ClinVar aggregate classification (germline): Uncertain significance. Review status: criteria provided, multiple submitters, no conflicts (2 of 4 stars). 5 submissions from 5 submitters: Uncertain significance (5). Last evaluated 2025-06-18.

Conditions:
Epiphyseal dysplasia, multiple, 3 (EDM3). Also called: COL9A3-Related Multiple Epiphyseal Dysplasia; Epiphyseal dysplasia, multiple, 3, with or without myopathy. Identifiers: MedGen C1832998, MONDO:0010964, OMIM 600969.
Intervertebral disc disorder (IDD). Also called: INTERVERTEBRAL DISC DISEASE; Lumbar disk degenerative disorder. Identifiers: MedGen C0158252, MONDO:0044339, OMIM 603932.
Stickler syndrome. Identifiers: Orphanet 828, MedGen C0265253, MONDO:0019354.
Inborn genetic diseases. Identifiers: MedGen C0950123, MeSH D030342.

Allele frequency attached by ClinVar (database versions not stated): ExAC 0.00001; gnomAD exomes 0.00002 and 0.00007; TOPMed 0.00002; gnomAD 0.00003 and 0.00004.
gnomAD v4.1: 98 of 1,612,548 alleles (0.0061%); highest among the groups gnomAD compares: Non-Finnish European, 0.0081%; no homozygotes.

Submissions (5):

Labcorp Genetics (formerly Invitae), Labcorp
Classification: Uncertain significance. Last evaluated: 2025-06-18. Review status: criteria provided, single submitter. Criteria: Invitae Variant Classification Sherloc (09022015). Collection method: clinical testing. Allele origin: germline.
Comment: This sequence change replaces proline, which is neutral and non-polar, with leucine, which is neutral and non-polar, at codon 73 of the COL9A3 protein (p.Pro73Leu). This variant is present in population databases (rs768298010, gnomAD 0.006%). This variant has not been reported in the literature in individuals affected with COL9A3-related conditions. ClinVar contains an entry for this variant (Variation ID: 1314117). Invitae Evidence Modeling of protein sequence and biophysical properties (such as structural, functional, and spatial information, amino acid conservation, physicochemical variation, residue mobility, and thermodynamic stability) indicates that this missense variant is not expected to disrupt COL9A3 protein function with a negative predictive value of 95%. In summary, the available evidence is currently insufficient to determine the role of this variant in disease. Therefore, it has been classified as a Variant of Uncertain Significance.

Ambry Genetics
Classification: Uncertain significance for Inborn genetic diseases. Last evaluated: 2023-09-25. Review status: criteria provided, single submitter. Criteria: Ambry Variant Classification Scheme 2023. Collection method: clinical testing. Allele origin: germline.

Department of Pathology and Laboratory Medicine, Sinai Health System
Classification: Uncertain significance for Stickler syndrome. Last evaluated: 2023-05-20. Review status: criteria provided, single submitter. Criteria: ACMG Guidelines, 2015. Collection method: research. Allele origin: germline.

Fulgent Genetics
Classification: Uncertain significance for Epiphyseal dysplasia, multiple, 3; Intervertebral disc disorder. Last evaluated: 2022-01-18. Review status: criteria provided, single submitter. Criteria: ACMG Guidelines, 2015. Collection method: clinical testing. Allele origin: unknown.

GeneDx
Classification: Uncertain significance. Last evaluated: 2021-02-11. Review status: criteria provided, single submitter. Criteria: GeneDx Variant Classification Process June 2021. Collection method: clinical testing. Allele origin: germline. Affected: yes.
Comment: Has not been previously published as pathogenic or benign to our knowledge; In silico analysis supports that this missense variant has a deleterious effect on protein structure/function